The following is an entry in ClinVar:

ClinVar aggregate classification (germline): Uncertain significance (1 of 4 stars; one submission).

Submission:

Labcorp Genetics (formerly Invitae), Labcorp
Classification: Uncertain significance. Last evaluated: 2022-06-03. Review status: criteria provided, single submitter. Criteria: Invitae Variant Classification Sherloc (09022015). Collection method: clinical testing. Allele origin: germline.
Comment: In summary, the available evidence is currently insufficient to determine the role of this variant in disease. Therefore, it has been classified as a Variant of Uncertain Significance. Algorithms developed to predict the effect of missense changes on protein structure and function are either unavailable or do not agree on the potential impact of this missense change (SIFT: "Tolerated"; PolyPhen-2: "Probably Damaging"; Align-GVGD: "Class C0"). This variant has not been reported in the literature in individuals affected with RECQL-related conditions. This variant is not present in population databases (gnomAD no frequency). This sequence change replaces histidine, which is basic and polar, with asparagine, which is neutral and polar, at codon 584 of the RECQL protein (p.His584Asn).

NM_002907.4(RECQL):c.1750C>A (p.His584Asn)

Genes: PYROXD1 (pyridine nucleotide-disulphide oxidoreductase domain 1; plus strand), RECQL (RecQ like helicase; minus strand). Cytogenetic location: 12p12.1.
Variant type: single nucleotide variant.
Coding change: c.1750C>A on transcript NM_002907.4 (MANE Select); coding-DNA position 1750, C replaced by A.
Protein change: p.His584Asn; replaces histidine 584 with asparagine.
Molecular consequence: missense variant. On other transcripts: 3 prime UTR variant (3).
Genome position (GRCh38, 1-based): chr12:21,471,016, G>T on the plus strand (C>A on the coding strand, the complement: RECQL is on the minus strand). VCF-style: chr12-21471016-G-T. GRCh37 (hg19) VCF-style: chr12-21623950-G-T.
Other names: c.1750C>A, p.His584Asn (NM_032941.3); c.*2262G>T (NM_001350912.2, NM_001350913.2, NM_024854.5); short protein forms H584N.
Identifiers: ClinVar variation 2128794 (VCV002128794.4), dbSNP rs1318382161, ClinGen allele CA384114500.